The following is an entry in ClinVar:

NM_004304.5(ALK):c.2213G>T (p.Gly738Val)

Gene: ALK (ALK receptor tyrosine kinase; minus strand). Cytogenetic location: 2p23.2.
Variant type: single nucleotide variant.
Coding change: c.2213G>T on transcript NM_004304.5 (MANE Select); coding-DNA position 2213, G replaced by T.
Protein change: p.Gly738Val; replaces glycine 738 with valine.
Molecular consequence: missense variant.
Genome position (GRCh38, 1-based): chr2:29,239,822, C>A on the plus strand (G>T on the coding strand, the complement: ALK is on the minus strand). VCF-style: chr2-29239822-C-A. GRCh37 (hg19) VCF-style: chr2-29462688-C-A.
Other names: short protein forms G738V.
Identifiers: ClinVar variation 2452097 (VCV002452097.5), dbSNP rs2148188884, ClinGen allele CA346474784.
Genomic context (GRCh38, chr2:29,239,822, plus strand): 5'-GACACGCCGTGGGACCGCATCATGGTGTTCTTCCCGCCTTTCCCGCCAGCAGCTCCGTAG[C>A]CCGAGATGCTGCAATGGGACAAAGAACGTTGGCTCCCGCTGTGGTATGAAGACTGTCCCC-3'
Protein context (NP_004295.2, residues 728-748): VPATDTYSIS[Gly738Val]YGAAGGKGGK

ClinVar aggregate classification (germline): Uncertain significance. Review status: criteria provided, multiple submitters, no conflicts (2 of 4 stars). 2 submissions from 2 submitters: Uncertain significance (2). Last evaluated 2023-03-22.

Conditions:
Hereditary cancer-predisposing syndrome. Also called: Hereditary neoplastic syndrome; Tumor predisposition; Neoplastic Syndromes, Hereditary; Hereditary Cancer Syndrome. Identifiers: Orphanet 140162, MedGen C0027672, MeSH D009386, MONDO:0015356.
Neuroblastoma, susceptibility to, 3. Also called: ALK-Related Neuroblastic Tumor Susceptibility. Identifiers: Orphanet 635, MedGen C2751681, MONDO:0013083, OMIM 613014.

Submissions (2):

Labcorp Genetics (formerly Invitae), Labcorp
Classification: Uncertain significance for Neuroblastoma, susceptibility to, 3. Last evaluated: 2023-03-22. Review status: criteria provided, single submitter. Criteria: Invitae Variant Classification Sherloc (09022015). Collection method: clinical testing. Allele origin: germline.
Comment: In summary, the available evidence is currently insufficient to determine the role of this variant in disease. Therefore, it has been classified as a Variant of Uncertain Significance. This sequence change replaces glycine, which is neutral and non-polar, with valine, which is neutral and non-polar, at codon 738 of the ALK protein (p.Gly738Val). This variant is not present in population databases (gnomAD no frequency). This variant has not been reported in the literature in individuals affected with ALK-related conditions. An algorithm developed to predict the effect of missense changes on protein structure and function (PolyPhen-2) suggests that this variant is likely to be disruptive.

Ambry Genetics
Classification: Uncertain significance for Hereditary cancer-predisposing syndrome. Last evaluated: 2022-11-20. Review status: criteria provided, single submitter. Criteria: Ambry Variant Classification Scheme 2023. Collection method: clinical testing. Allele origin: germline.
Comment: The p.G738V variant (also known as c.2213G>T), located in coding exon 13 of the ALK gene, results from a G to T substitution at nucleotide position 2213. The glycine at codon 738 is replaced by valine, an amino acid with dissimilar properties. This amino acid position is conserved. In addition, the in silico prediction for this alteration is inconclusive. Since supporting evidence is limited at this time, the clinical significance of this alteration remains unclear.